The following is an entry in ClinVar:

ClinVar aggregate classification (germline): Likely pathogenic (1 of 4 stars; one submission).

Submission:

GeneDx
Classification: Likely pathogenic. Last evaluated: 2026-03-05. Review status: criteria provided, single submitter. Criteria: GeneDx Variant Classification Process June 2021. Collection method: clinical testing. Allele origin: germline.
Comment: Not observed at significant frequency in large population cohorts (gnomAD); Nonsense variant predicted to result in protein truncation as the last 72 amino acid(s) are lost with an unclear effect on protein function; Has not been previously published as pathogenic or benign to our knowledge

NM_175634.3(RUNX1T1):c.1597C>T (p.Arg533Ter)

Gene: RUNX1T1 (RUNX1 partner transcriptional co-repressor 1; minus strand). Cytogenetic location: 8q21.3.
Variant type: single nucleotide variant.
Coding change: c.1597C>T on transcript NM_175634.3 (MANE Select); coding-DNA position 1597, C replaced by T.
Protein change: p.Arg533Ter; replaces arginine 533 with a stop codon.
Molecular consequence: nonsense.
Genome position (GRCh38, 1-based): chr8:91,960,460, G>A on the plus strand (C>T on the coding strand, the complement: RUNX1T1 is on the minus strand). VCF-style: chr8-91960460-G-A. GRCh37 (hg19) VCF-style: chr8-92972688-G-A.
Other names: c.1681C>T, p.Arg561Ter (NM_001395209.1); c.1516C>T, p.Arg506Ter (NM_004349.4, NM_001198625.2, NM_001198632.2); c.1486C>T, p.Arg496Ter (NM_175635.3, NM_175636.2); c.1597C>T (NM_175634.2); c.1597C>T, p.Arg533Ter (NM_001198626.2, NM_001198627.2, NM_001198628.2 and 3 more transcripts); c.1537C>T, p.Arg513Ter (NM_001198633.2); c.1630C>T, p.Arg544Ter (NM_001198634.2); c.1774C>T, p.Arg592Ter (NM_001198679.3); short protein forms R496*, R506*, R513*, R533*, R544*, R561*, R592*.
Identifiers: ClinVar variation 3903090 (VCV003903090.2).